The following is an entry in ClinVar:

NM_021927.3(GUF1):c.1216G>C (p.Gly406Arg)

Gene: GUF1 (GTP binding elongation factor GUF1; plus strand). Cytogenetic location: 4p12.
Variant type: single nucleotide variant.
Coding change: c.1216G>C on transcript NM_021927.3 (MANE Select); coding-DNA position 1216, G replaced by C.
Protein change: p.Gly406Arg; replaces glycine 406 with arginine.
Molecular consequence: missense variant.
Genome position (GRCh38, 1-based): chr4:44,689,856, G>C. VCF-style: chr4-44689856-G-C. GRCh37 (hg19) VCF-style: chr4-44691873-G-C.
Other names: c.1216G>C (NM_021927.2); c.244G>C, p.Gly82Arg (NM_001345867.2, NM_001345869.2); c.1216G>C, p.Gly406Arg (NM_001345868.2); short protein forms G406R, G82R.
Identifiers: ClinVar variation 1501741 (VCV001501741.10), dbSNP rs529641422, ClinGen allele CA2905581.
Genomic context (GRCh38, chr4:44,689,856, plus strand): 5'-AGCCCATGGGACATAAACATTTTGGAGTTTGTCTTTTCCTCCCCCAGGCTAGGATTTCTT[G>C]GACTTTTGCACATGGAAGTTTTCAACCAGCGACTGGAGCAAGAATATAATGCTTCTGTTA-3'
Protein context (NP_068746.2, residues 396-416): LGAGWRLGFL[Gly406Arg]LLHMEVFNQR

ClinVar aggregate classification (germline): Likely benign. Review status: criteria provided, single submitter (1 of 4 stars). 2 submissions from 2 submitters: Likely benign (1). 1 of the submissions does not count toward it. Last evaluated 2025-12-21.

Conditions:
GUF1-related disorder. Also called: GUF1-related condition.

Allele frequency attached by ClinVar (database versions not stated): gnomAD 0.00021; gnomAD exomes 0.00027 and 0.00062; ExAC 0.00074; 1000 Genomes Project 30x 0.00219; 1000 Genomes Project 0.00240.

Submissions (2):

Labcorp Genetics (formerly Invitae), Labcorp
Classification: Likely benign. Last evaluated: 2025-12-21. Review status: criteria provided, single submitter. Criteria: Invitae Variant Classification Sherloc (09022015). Collection method: clinical testing. Allele origin: germline.

PreventionGenetics, part of Exact Sciences
Classification: Likely benign for GUF1-related condition. Last evaluated: 2022-11-14. Review status: no assertion criteria provided. Collection method: clinical testing. Allele origin: germline. Not counted in ClinVar's aggregate classification.
Comment: This variant is classified as likely benign based on ACMG/AMP sequence variant interpretation guidelines (Richards et al. 2015 PMID: 25741868, with internal and published modifications).